The following is an entry in ClinVar:

NC_000011.9:g.(?_62457819)_(62462203_?)dup

Genes: BSCL2 (BSCL2 lipid droplet biogenesis associated, seipin; minus strand), HNRNPUL2-BSCL2 (HNRNPUL2-BSCL2 readthrough (NMD candidate); minus strand). Cytogenetic location: 11q12.3.
Variant type: Duplication.
Identifiers: ClinVar variation 543296 (VCV000543296.1).

ClinVar aggregate classification (germline): Uncertain significance (1 of 4 stars; one submission).

Conditions:
Charcot-Marie-Tooth disease type 2. Also called: Charcot-Marie-Tooth type 2. Identifiers: Orphanet 64746, MedGen C0270914, MONDO:0018993.

Submission:

Labcorp Genetics (formerly Invitae), Labcorp
Classification: Uncertain significance for Charcot-Marie-Tooth disease type 2. Last evaluated: 2018-01-05. Review status: criteria provided, single submitter. Criteria: Invitae Variant Classification Sherloc (09022015). Collection method: clinical testing. Allele origin: germline.
Comment: This variant is a gross duplication of the genomic region encompassing exons 4-11 of the BSCL2 gene. The 5' boundary is likely confined to intron 3. The 3' end of this event is unknown as it extends beyond the assayed region for this gene and therefore may encompass additional genes. The exact location of this variant in the genome is unknown. This variant has not been reported in the literature in individuals with BSCL2-related disease. Experimental studies and prediction algorithms are not available for this variant, and the functional significance of the duplicated amino acid(s) is currently unknown. In summary, the available evidence is currently insufficient to determine the role of this variant in disease. Therefore, it has been classified as a Variant of Uncertain Significance.